The following is an entry in ClinVar:

NM_003482.4(KMT2D):c.5082T>G (p.Pro1694=)

Gene: KMT2D (lysine methyltransferase 2D; minus strand). Cytogenetic location: 12q13.12.
Variant type: single nucleotide variant.
Coding change: c.5082T>G on transcript NM_003482.4 (MANE Select); coding-DNA position 5082, T replaced by G.
Protein change: p.Pro1694=; no amino-acid change (proline 1694 retained).
Molecular consequence: synonymous variant.
Genome position (GRCh38, 1-based): chr12:49,044,404, A>C on the plus strand (T>G on the coding strand, the complement: KMT2D is on the minus strand). VCF-style: chr12-49044404-A-C. GRCh37 (hg19) VCF-style: chr12-49438187-A-C.
Identifiers: ClinVar variation 3025558 (VCV003025558.22), dbSNP rs2120583009, ClinGen allele CA479713096.

ClinVar aggregate classification (germline): Likely benign (1 of 4 stars; one submission).

Submission:

CeGaT Center for Human Genetics Tuebingen
Classification: Likely benign. Last evaluated: 2023-12-01. Review status: criteria provided, single submitter. Criteria: CeGaT Center For Human Genetics Tuebingen Variant Classification Criteria Version 2. Collection method: clinical testing. Allele origin: germline. Affected: yes. Observed: 1 variant allele.
Comment: KMT2D: PM2:Supporting, BP4, BP7